The following is an entry in ClinVar:

NM_001134363.3(RBM20):c.442G>A (p.Gly148Ser)

Gene: RBM20 (RNA binding motif protein 20; plus strand). Cytogenetic location: 10q25.2.
Variant type: single nucleotide variant.
Coding change: c.442G>A on transcript NM_001134363.3 (MANE Select); coding-DNA position 442, G replaced by A.
Protein change: p.Gly148Ser; replaces glycine 148 with serine.
Molecular consequence: missense variant.
Genome position (GRCh38, 1-based): chr10:110,781,051, G>A. VCF-style: chr10-110781051-G-A. GRCh37 (hg19) VCF-style: chr10-112540809-G-A.
Other names: short protein forms G148S.
Identifiers: ClinVar variation 411661 (VCV000411661.12), dbSNP rs375200447, ClinGen allele CA5688510.

ClinVar aggregate classification (germline): Conflicting classifications of pathogenicity. Review status: criteria provided, conflicting classifications (1 of 4 stars). 5 submissions from 5 submitters: Uncertain significance (2); Likely benign (3). Last evaluated 2025-10-29.

Conditions:
Cardiovascular phenotype. Identifiers: MedGen CN230736.
Dilated cardiomyopathy 1DD (CMD1DD). Identifiers: Orphanet 154, MedGen C2750995, MONDO:0013168, OMIM 613172.

Allele frequency attached by ClinVar (database versions not stated): gnomAD exomes 0.00002 and 0.00004; ExAC 0.00005; gnomAD 0.00006; TOPMed 0.00010; ESP Exome Variant Server 0.00022; 1000 Genomes Project 30x 0.00031; 1000 Genomes Project 0.00040.
gnomAD v4.1: 41 of 1,551,816 alleles (0.0026%); highest among the groups gnomAD compares: Admixed American, 0.035%; no homozygotes.

Submissions (5):

Labcorp Genetics (formerly Invitae), Labcorp
Classification: Likely benign for Dilated cardiomyopathy 1DD. Last evaluated: 2025-10-29. Review status: criteria provided, single submitter. Criteria: Invitae Variant Classification Sherloc (09022015). Collection method: clinical testing. Allele origin: germline.

Blueprint Genetics
Classification: Likely benign. Last evaluated: 2023-04-12. Review status: criteria provided, single submitter. Criteria: ACMG Guidelines, 2015. Collection method: clinical testing. Allele origin: germline.

Women's Health and Genetics/Laboratory Corporation of America, LabCorp
Classification: Uncertain significance. Last evaluated: 2023-03-07. Review status: criteria provided, single submitter. Criteria: LabCorp Variant Classification Summary - May 2015. Collection method: clinical testing. Allele origin: germline.
Comment: Variant summary: RBM20 c.442G>A (p.Gly148Ser) results in a non-conservative amino acid change in the encoded protein sequence. Four of five in-silico tools predict a benign effect of the variant on protein function. The variant allele was found at a frequency of 4.5e-05 in 157128 control chromosomes. The available data on variant occurrences in the general population are insufficient to allow any conclusion about variant significance. To our knowledge, no occurrence of c.442G>A in individuals affected with Dilated Cardiomyopathy and no experimental evidence demonstrating its impact on protein function have been reported. Three clinical diagnostic laboratories have submitted clinical-significance assessments for this variant to ClinVar after 2014 without evidence for independent evaluation (LB, n=2; VUS, n=1). Based on the evidence outlined above, the variant was classified as uncertain significance.

Ambry Genetics
Classification: Likely benign for Cardiovascular phenotype. Last evaluated: 2022-03-31. Review status: criteria provided, single submitter. Criteria: Ambry Variant Classification Scheme 2023. Collection method: clinical testing. Allele origin: germline.

Fulgent Genetics
Classification: Uncertain significance for Dilated cardiomyopathy 1DD. Last evaluated: 2021-08-23. Review status: criteria provided, single submitter. Criteria: ACMG Guidelines, 2015. Collection method: clinical testing. Allele origin: unknown.

Literature cited by the submitters: PubMed 30871351 (cited by Women's Health and Genetics/Laboratory Corporation of America, LabCorp and Ambry Genetics).